The following is an entry in ClinVar:

ClinVar aggregate classification (germline): Uncertain significance. Review status: criteria provided, multiple submitters, no conflicts (2 of 4 stars). 3 submissions from 3 submitters: Uncertain significance (3). Last evaluated 2025-03-13.

Conditions:
Malignant hyperthermia, susceptibility to, 1 (MHS1). Also called: RYR1-Related Malignant Hyperthermia Susceptibility; Malignant hyperthermia suceptibility 1; Anesthesia related hyperthermia; Malignant hyperpyrexia; Fulminating hyperpyrexia; Pharmacogenic myopathy. Identifiers: Orphanet 423, MedGen C2930980, MONDO:0007783, OMIM 145600.
RYR1-related disorder. Also called: RYR1-related condition; RYR1-related disorders. Identifiers: MedGen CN239331.

Allele frequency attached by ClinVar (database versions not stated): ExAC 0.00001; gnomAD 0.00001.
gnomAD v4.1: 5 of 1,613,898 alleles (0.00031%); highest among the groups gnomAD compares: Non-Finnish European, 0.00042%; no homozygotes.

Submissions (3):

GeneDx
Classification: Uncertain significance. Last evaluated: 2025-03-13. Review status: criteria provided, single submitter. Criteria: GeneDx Variant Classification Process June 2021. Collection method: clinical testing. Allele origin: germline. Affected: yes.
Comment: Not observed at significant frequency in large population cohorts (gnomAD); In silico analysis supports that this missense variant has a deleterious effect on protein structure/function; Has not been previously published as pathogenic or benign to our knowledge

Labcorp Genetics (formerly Invitae), Labcorp
Classification: Uncertain significance for RYR1-related disorder. Last evaluated: 2025-01-13. Review status: criteria provided, single submitter. Criteria: Invitae Variant Classification Sherloc (09022015). Collection method: clinical testing. Allele origin: germline.
Comment: This sequence change replaces asparagine, which is neutral and polar, with serine, which is neutral and polar, at codon 704 of the RYR1 protein (p.Asn704Ser). This variant is present in population databases (rs747125357, gnomAD 0.0009%). This variant has not been reported in the literature in individuals affected with RYR1-related conditions. ClinVar contains an entry for this variant (Variation ID: 2163685). Invitae Evidence Modeling of protein sequence and biophysical properties (such as structural, functional, and spatial information, amino acid conservation, physicochemical variation, residue mobility, and thermodynamic stability) indicates that this missense variant is not expected to disrupt RYR1 protein function with a negative predictive value of 95%. In summary, the available evidence is currently insufficient to determine the role of this variant in disease. Therefore, it has been classified as a Variant of Uncertain Significance.

All of Us Research Program, National Institutes of Health
Classification: Uncertain significance for Malignant hyperthermia, susceptibility to, 1. Last evaluated: 2024-04-25. Review status: criteria provided, single submitter. Criteria: ACMG Guidelines, 2015. Collection method: clinical testing. Allele origin: germline. Inheritance: Autosomal dominant inheritance. Observed: 1 variant allele, 1 heterozygote.
Comment: This missense variant replaces asparagine with serine at codon 704 of the RYR1 protein. Computational prediction suggests that this variant may not impact protein structure and function. To our knowledge, functional studies have not been reported for this variant. This variant has not been reported in individuals affected with RYR1-related disorders in the literature. This variant has been identified in 1/249190 chromosomes in the general population by the Genome Aggregation Database (gnomAD). The available evidence is insufficient to determine the role of this variant in disease conclusively. Therefore, this variant is classified as a Variant of Uncertain Significance.

This study involves interpretation of variants in research participants for the purpose of population health screening. Participant phenotype was not available at the time of variant classification. Additional details can be found in publication PMID: 35346344, PMCID: PMC8962531

NM_000540.3(RYR1):c.2111A>G (p.Asn704Ser)

Gene: RYR1 (ryanodine receptor 1; plus strand). Cytogenetic location: 19q13.2.
Variant type: single nucleotide variant.
Coding change: c.2111A>G on transcript NM_000540.3 (MANE Select); coding-DNA position 2111, A replaced by G.
Protein change: p.Asn704Ser; replaces asparagine 704 with serine.
Molecular consequence: missense variant.
Genome position (GRCh38, 1-based): chr19:38,458,236, A>G. VCF-style: chr19-38458236-A-G. GRCh37 (hg19) VCF-style: chr19-38948876-A-G.
Other names: c.2111A>G, p.Asn704Ser (NM_001042723.2); short protein forms N704S.
Identifiers: ClinVar variation 2163685 (VCV002163685.4), dbSNP rs747125357, ClinGen allele CA062841.